The following is an entry in ClinVar:

ClinVar aggregate classification (germline): Uncertain significance (1 of 4 stars; one submission).

Conditions:
Encephalopathy, acute, infection-induced (herpes-specific), susceptibility to, 6. Also called: Herpes simplex encephalitis, susceptibility to, 4. Identifiers: Orphanet 1930, MedGen C3553869, MONDO:0013921, OMIM 614850.

Allele frequency attached by ClinVar (database versions not stated): gnomAD exomes below 0.00001; gnomAD 0.00001; ExAC 0.00001.
gnomAD v4.1: 1 of 1,610,758 alleles (0.000062%); highest among the groups gnomAD compares: Non-Finnish European, 0.000085%; no homozygotes.

Submission:

Labcorp Genetics (formerly Invitae), Labcorp
Classification: Uncertain significance for Encephalopathy, acute, infection-induced (herpes-specific), susceptibility to, 6. Last evaluated: 2021-09-21. Review status: criteria provided, single submitter. Criteria: Invitae Variant Classification Sherloc (09022015). Collection method: clinical testing. Allele origin: germline.
Comment: In summary, the available evidence is currently insufficient to determine the role of this variant in disease. Therefore, it has been classified as a Variant of Uncertain Significance. Algorithms developed to predict the effect of missense changes on protein structure and function (SIFT, PolyPhen-2, Align-GVGD) all suggest that this variant is likely to be tolerated. This variant has not been reported in the literature in individuals affected with TICAM1-related conditions. This variant is present in population databases (rs751977492, ExAC 0.002%). This sequence change replaces glutamine with glutamic acid at codon 119 of the TICAM1 protein (p.Gln119Glu). The glutamine residue is moderately conserved and there is a small physicochemical difference between glutamine and glutamic acid.

NM_182919.4(TICAM1):c.355C>G (p.Gln119Glu)

Gene: TICAM1 (TIR domain containing adaptor molecule 1; minus strand). Cytogenetic location: 19p13.3.
Variant type: single nucleotide variant.
Coding change: c.355C>G on transcript NM_182919.4 (MANE Select); coding-DNA position 355, C replaced by G.
Protein change: p.Gln119Glu; replaces glutamine 119 with glutamic acid.
Molecular consequence: missense variant. On other transcripts: intron variant (1).
Genome position (GRCh38, 1-based): chr19:4,818,023, G>C on the plus strand (C>G on the coding strand, the complement: TICAM1 is on the minus strand). VCF-style: chr19-4818023-G-C. GRCh37 (hg19) VCF-style: chr19-4818035-G-C.
Other names: c.313C>G, p.Gln105Glu (NM_001385678.1); c.220C>G, p.Gln74Glu (NM_001385679.1); c.-71-217C>G (NM_001385680.1); short protein forms Q119E, Q74E, Q105E.
Identifiers: ClinVar variation 1427832 (VCV001427832.8), dbSNP rs751977492, ClinGen allele CA9105376.